The following is an entry in ClinVar:

ClinVar aggregate classification (germline): Conflicting classifications of pathogenicity. Review status: criteria provided, conflicting classifications (1 of 4 stars). 2 submissions from 2 submitters: Pathogenic (1); Uncertain significance (1). Last evaluated 2026-03-20.

Conditions:
Hereditary cancer-predisposing syndrome. Also called: Neoplastic Syndromes, Hereditary; Tumor predisposition; Hereditary Cancer Syndrome; Hereditary neoplastic syndrome. Identifiers: Orphanet 140162, MedGen C0027672, MeSH D009386, MONDO:0015356.

Submissions (2):

Ambry Genetics
Classification: Uncertain significance for Hereditary cancer-predisposing syndrome. Last evaluated: 2026-03-20. Review status: criteria provided, single submitter. Criteria: Ambry Variant Classification Scheme 2023. Collection method: clinical testing. Allele origin: germline.
Comment: The c.5548delC variant, located in coding exon 40 of the POLE gene, results from a deletion of one nucleotide at nucleotide position 5548, causing a translational frameshift with a predicted alternate stop codon (p.L1850Cfs*54). This alteration is expected to result in loss of function by premature protein truncation or nonsense-mediated mRNA decay. Although biallelic loss of function of POLE has been associated with autosomal recessive POLE deficiency, haploinsufficiency of POLE has not been established as a mechanism of disease for POLE-related polymerase proofreading-associated polyposis (PPAP) and POLE-related CMMRD-like syndrome. Based on the supporting evidence, this variant is expected to be causative of POLE deficiency when present along with a second pathogenic variant on the other allele; however, its clinical significance for PPAP and POLE-related CMMRD-like syndrome is unclear.

Labcorp Genetics (formerly Invitae), Labcorp
Classification: Pathogenic. Last evaluated: 2025-03-24. Review status: criteria provided, single submitter. Criteria: Invitae Variant Classification Sherloc (09022015). Collection method: clinical testing. Allele origin: germline.
Comment: This sequence change creates a premature translational stop signal (p.Leu1850Cysfs*54) in the POLE gene. It is expected to result in an absent or disrupted protein product. Loss-of-function variants in POLE are known to be pathogenic (PMID: 23230001, 25948378, 30503519). This variant is not present in population databases (gnomAD no frequency). This variant has not been reported in the literature in individuals affected with POLE-related conditions. For these reasons, this variant has been classified as Pathogenic.

Literature cited by the submitters: PubMed 23230001 (cited by Labcorp Genetics (formerly Invitae), Labcorp); PubMed 25948378 (cited by Labcorp Genetics (formerly Invitae), Labcorp); PubMed 30503519 (cited by Labcorp Genetics (formerly Invitae), Labcorp).

NM_006231.4(POLE):c.5548del (p.Leu1850fs)

Gene: POLE (DNA polymerase epsilon, catalytic subunit; minus strand). Cytogenetic location: 12q24.33.
Variant type: Deletion.
Coding change: c.5548del on transcript NM_006231.4 (MANE Select); coding-DNA position 5548, one base deleted (C; older notation c.5548delC).
Protein change: p.Leu1850fs; shifts the reading frame from leucine 1850.
Molecular consequence: frameshift variant.
Genome position (GRCh38, 1-based): chr12:132,639,129, G deleted on the plus strand (C on the coding strand, the reverse complement: POLE is on the minus strand); the first of 2 consecutive G bases (chr12:132,639,129-132,639,130); deleting either gives the same sequence. VCF-style (leftmost placement, unchanged base first): chr12-132639128-AG-A. GRCh37 (hg19) VCF-style: chr12-133215714-AG-A.
Other names: c.5548delC (NM_006231.2); short protein forms L1850fs.
Identifiers: ClinVar variation 4711279 (VCV004711279.2).